The following is an entry in ClinVar:

NM_017763.6(RNF43):c.2297C>T (p.Ser766Leu)

Gene: RNF43 (ring finger protein 43; minus strand). Cytogenetic location: 17q22.
Variant type: single nucleotide variant.
Coding change: c.2297C>T on transcript NM_017763.6 (MANE Select); coding-DNA position 2297, C replaced by T.
Protein change: p.Ser766Leu; replaces serine 766 with leucine.
Molecular consequence: missense variant.
Genome position (GRCh38, 1-based): chr17:58,357,479, G>A on the plus strand (C>T on the coding strand, the complement: RNF43 is on the minus strand). VCF-style: chr17-58357479-G-A. GRCh37 (hg19) VCF-style: chr17-56434840-G-A.
Other names: c.2297C>T, p.Ser766Leu (NM_001305544.3); c.1916C>T, p.Ser639Leu (NM_001305545.2); short protein forms S639L, S766L.
Identifiers: ClinVar variation 1402355 (VCV001402355.11), dbSNP rs772783321, ClinGen allele CA8673034.

ClinVar aggregate classification (germline): Uncertain significance. Review status: criteria provided, multiple submitters, no conflicts (2 of 4 stars). 3 submissions from 3 submitters: Uncertain significance (3). Last evaluated 2024-11-18.

Allele frequency attached by ClinVar (database versions not stated): gnomAD exomes 0.00002 and 0.00004; ExAC 0.00003; gnomAD 0.00004; TOPMed 0.00006.
gnomAD v4.1: 44 of 1,614,042 alleles (0.0027%); highest among the groups gnomAD compares: South Asian, 0.019%; no homozygotes.

Submissions (3):

Ambry Genetics
Classification: Uncertain significance. Last evaluated: 2024-11-18. Review status: criteria provided, single submitter. Criteria: Ambry Variant Classification Scheme 2023. Collection method: clinical testing. Allele origin: germline.
Comment: The p.S766L variant (also known as c.2297C>T), located in coding exon 8 of the RNF43 gene, results from a C to T substitution at nucleotide position 2297. The serine at codon 766 is replaced by leucine, an amino acid with dissimilar properties. This amino acid position is conserved. In addition, this alteration is predicted to be tolerated by in silico analysis. Based on the available evidence, the clinical significance of this variant remains unclear.

GeneDx
Classification: Uncertain significance. Last evaluated: 2024-06-11. Review status: criteria provided, single submitter. Criteria: GeneDx Variant Classification Process June 2021. Collection method: clinical testing. Allele origin: germline. Affected: yes.
Comment: In silico analysis indicates that this missense variant does not alter protein structure/function; Has not been previously published as pathogenic or benign to our knowledge; Variants in candidate genes are classified as variants of uncertain significance in accordance with ACMG guidelines (PMID: 25741868)

Labcorp Genetics (formerly Invitae), Labcorp
Classification: Uncertain significance. Last evaluated: 2024-05-02. Review status: criteria provided, single submitter. Criteria: Invitae Variant Classification Sherloc (09022015). Collection method: clinical testing. Allele origin: germline.
Comment: This sequence change replaces serine, which is neutral and polar, with leucine, which is neutral and non-polar, at codon 766 of the RNF43 protein (p.Ser766Leu). This variant is present in population databases (rs772783321, gnomAD 0.02%). This variant has not been reported in the literature in individuals affected with RNF43-related conditions. ClinVar contains an entry for this variant (Variation ID: 1402355). An algorithm developed to predict the effect of missense changes on protein structure and function (PolyPhen-2) suggests that this variant is likely to be tolerated. In summary, the available evidence is currently insufficient to determine the role of this variant in disease. Therefore, it has been classified as a Variant of Uncertain Significance.